The following is an entry in ClinVar:

NM_000352.6(ABCC8):c.3641G>A (p.Arg1214Gln)

Gene: ABCC8 (ATP binding cassette subfamily C member 8; minus strand). Cytogenetic location: 11p15.1.
Variant type: single nucleotide variant.
Coding change: c.3641G>A on transcript NM_000352.6 (MANE Select); coding-DNA position 3641, G replaced by A.
Protein change: p.Arg1214Gln; replaces arginine 1214 with glutamine.
Molecular consequence: missense variant. On other transcripts: non-coding transcript variant (1).
Genome position (GRCh38, 1-based): chr11:17,402,670, C>T on the plus strand (G>A on the coding strand, the complement: ABCC8 is on the minus strand). VCF-style: chr11-17402670-C-T. GRCh37 (hg19) VCF-style: chr11-17424217-C-T.
Other names: p.Arg1214Gln; NM_000352.6(ABCC8):c.3641G>A; c.3644G>A, p.Arg1215Gln (NM_001287174.3); c.3707G>A, p.Arg1236Gln (NM_001351295.2); c.3641G>A, p.Arg1214Gln (NM_001351296.2); c.3638G>A, p.Arg1213Gln (NM_001351297.2); c.3641G>A (NM_000352.4); short protein forms R1214Q, R1215Q, R1213Q, R1236Q.
Identifiers: ClinVar variation 632619 (VCV000632619.22), dbSNP rs367850779, ClinGen allele CA5902755.

ClinVar aggregate classification (germline): Pathogenic/Likely pathogenic. Review status: criteria provided, multiple submitters, no conflicts (2 of 4 stars). 10 submissions from 10 submitters: Pathogenic (9); Likely pathogenic (1). Last evaluated 2025-11-26.

Conditions:
Hyperinsulinemic hypoglycemia, familial, 1 (HHF1). Also called: Persistent hyperinsulinemic hypoglycemia of infancy; NESIDIOBLASTOSIS OF PANCREAS; HYPERINSULINISM, FAMILIAL, WITH PANCREATIC NESIDIOBLASTOSIS; HYPOGLYCEMIA, HYPERINSULINEMIC, OF INFANCY; Persistent Hyperinsulinemia Hypoglycemia of Infancy. Identifiers: Orphanet 276575, Orphanet 276598, MedGen C2931832, MONDO:0009734, OMIM 256450.
Hereditary hyperinsulinism.
Diabetes mellitus, permanent neonatal 3. Also called: ABCC8-Related Permanent Neonatal Diabetes Mellitus. Identifiers: MedGen C5394303, MONDO:0030088, OMIM 618857.
Type 2 diabetes mellitus. Also called: Type II diabetes mellitus. Identifiers: MedGen C0011860, MeSH D003924, MONDO:0005148, OMIM 125853, HP:0005978.
Diabetes mellitus, transient neonatal, 2 (TNDM2). Identifiers: Orphanet 99886, MedGen C1835887, MONDO:0012480, OMIM 610374. Disease mechanism: loss of function.
Leucine-induced hypoglycemia (LIH). Also called: LEUCINE-SENSITIVE HYPOGLYCEMIA OF INFANCY. Identifiers: MedGen C0271714, MONDO:0009415, OMIM 240800.
Familial hyperinsulinism. Also called: Congenital hyperinsulinism. Identifiers: Orphanet 276525, MedGen C3888018, MONDO:0017182. Disease mechanism: loss of function.

Allele frequency attached by ClinVar (database versions not stated): TOPMed below 0.00001; gnomAD 0.00001; gnomAD exomes 0.00001 and 0.00002; ExAC 0.00002; ESP Exome Variant Server 0.00008.
gnomAD v4.1: 20 of 1,614,088 alleles (0.0012%); highest among the groups gnomAD compares: East Asian, 0.0089%; no homozygotes.

Submissions (10):

Institute of Human Genetics, University of Leipzig Medical Center
Classification: Pathogenic for Hyperinsulinemic hypoglycemia, familial, 1. Last evaluated: 2025-11-26. Review status: criteria provided, single submitter. Criteria: ACMG Guidelines, 2015. Collection method: clinical testing. Allele origin: maternal. Inheritance: Autosomal recessive inheritance. Affected: yes.
Comment: Criteria applied: PS3_MOD,PM3,PM5,PS4_SUP,PM2_SUP,PP1,PP3

Natera, Inc.
Classification: Pathogenic for Hereditary hyperinsulinism. Last evaluated: 2025-10-09. Review status: criteria provided, single submitter. Criteria: Natera Variant Classification Schema (03/2026). Collection method: clinical testing. Allele origin: germline.
Comment: The c.3641G>A variant in ABCC8 is a missense variant predicted to cause substitution of arginine to glutamine at amino acid 1214. This variant is rare in the general population with a frequency below the threshold expected for the associated phenotype(s). This variant has been observed in one or more individuals affected with the associated recessive disease, as either homozygous or compound heterozygous with a second variant (PMID: 20685672, 23275527). Computational prediction algorithms indicate this variant is likely to affect gene or protein function. Given the available evidence, this variant is classified as Pathogenic.

Labcorp Genetics (formerly Invitae), Labcorp
Classification: Pathogenic. Last evaluated: 2025-06-09. Review status: criteria provided, single submitter. Criteria: Invitae Variant Classification Sherloc (09022015). Collection method: clinical testing. Allele origin: germline.
Comment: This sequence change replaces arginine, which is basic and polar, with glutamine, which is neutral and polar, at codon 1214 of the ABCC8 protein (p.Arg1214Gln). This variant is present in population databases (rs367850779, gnomAD 0.006%). This missense change has been observed in individuals with autosomal recessive familial hyperinsulinism (PMID: 15562009, 20685672). This variant is also known as R1215Q. ClinVar contains an entry for this variant (Variation ID: 632619). Invitae Evidence Modeling of protein sequence and biophysical properties (such as structural, functional, and spatial information, amino acid conservation, physicochemical variation, residue mobility, and thermodynamic stability) indicates that this missense variant is expected to disrupt ABCC8 protein function with a positive predictive value of 95%. Experimental studies have shown that this missense change affects ABCC8 function (PMID: 9648840). This variant disrupts the p.Arg1214 amino acid residue in ABCC8. Other variant(s) that disrupt this residue have been determined to be pathogenic (PMID: 17575084, 23275527, 24401662, 24937539, 26180531). This suggests that this residue is clinically significant, and that variants that disrupt this residue are likely to be disease-causing. For these reasons, this variant has been classified as Pathogenic.

Fulgent Genetics
Classification: Pathogenic for Type 2 diabetes mellitus; Leucine-induced hypoglycemia; Hyperinsulinemic hypoglycemia, familial, 1; Diabetes mellitus, transient neonatal, 2; Diabetes mellitus, permanent neonatal 3. Last evaluated: 2024-04-11. Review status: criteria provided, single submitter. Criteria: ACMG Guidelines, 2015. Collection method: clinical testing. Allele origin: germline.

Baylor Genetics
Classification: Pathogenic for Type 2 diabetes mellitus. Last evaluated: 2023-09-21. Review status: criteria provided, single submitter. Criteria: ACMG Guidelines, 2015. Collection method: clinical testing. Allele origin: unknown.

Broad Center for Mendelian Genomics, Broad Institute of MIT and Harvard
Classification: Likely pathogenic for Hyperinsulinemic hypoglycemia, familial, 1. Last evaluated: 2023-08-16. Review status: criteria provided, single submitter. Criteria: ACMG Guidelines, 2015. Collection method: curation. Allele origin: germline. Inheritance: Autosomal recessive inheritance.
Comment: The p.Arg1214Gln variant in ABCC8 has been reported in at least 5 individuals with hyperinsulinemic hypoglycemia (PMID: 20685672, 15562009, 9618169, 9648840, 14715863, 14692646), and has been identified in 0.005% (1/18394) of East Asian chromosomes by the Genome Aggregation Database (gnomAD; dbSNP rs367850779). Although this variant has been seen in the general population in a heterozygous state, its frequency is low enough to be consistent with a recessive carrier frequency. This variant has also been reported in ClinVar (Variation ID: 632619) and has been interpreted as pathogenic by Women's Health and Genetics/Laboratory Corporation of America (LabCorp), Kasturba Medical College (Manipal, Manipal Academy of Higher Education), Invitae, Foundation for Research in Genetics and Endocrinology (FRIGE's Institute of Human Genetics), Natera Inc., and Fulgent Genetics. Of the 5 affected individuals, 2 were compound heterozygotes that carried a reported pathogenic variant in trans, which increases the likelihood that the p.Arg1214Gln variant is pathogenic (Variation ID: 9088, 371380; PMID: 9648840, 14692646). In vitro functional studies provide some evidence that the p.Arg1214Gln variant may slightly impact protein function (PMID: 9648840). However, these types of assays may not accurately represent biological function. Computational prediction tools and conservation analyses suggest that this variant may impact the protein, though this information is not predictive enough to determine pathogenicity. In summary, although additional studies are required to fully establish its clinical significance, this variant is likely pathogenic for autosomal recessive hyperinsulinemic hypoglycemia. ACMG/AMP Criteria applied: PM3_strong, PP3, PM2_supporting, PS3_supporting,(Richards 2015).

Foundation for Research in Genetics and Endocrinology, FRIGE's Institute of Human Genetics
Classification: Pathogenic for Hyperinsulinemic hypoglycemia, familial, 1. Last evaluated: 2022-10-01. Review status: criteria provided, single submitter. Criteria: ACMG Guidelines, 2015. Collection method: clinical testing. Allele origin: germline. Inheritance: Autosomal recessive inheritance. Affected: yes. Observed: 1 compound heterozygote.
Comment: A compound heterozygous variation in exon 29 of the ABCCB gene that results in the amino acid substitution of Glutamine for Arginine at codon 1214 was detected. The observed variant c.3641G>A (p.Arg1214Gln) has not been reported in the 1000 genomes and gnomAD databases. The in silico prediction of the variant are possibly damaging by PolyPhen-2 (HumDiv) and damaging by SIFT, LRT and MutationTaster2. The reference codon is conserved across species. In summary, the variant meets our criteria to be classified as pathogenic.

Kasturba Medical College, Manipal, Kasturba Medical College, Manipal, Manipal Academy of Higher Education, Manipal, India
Classification: Pathogenic for Hyperinsulinemic hypoglycemia, familial, 1. Last evaluated: 2020-07-09. Review status: criteria provided, single submitter. Criteria: ACMG Guidelines, 2015. Collection method: clinical testing. Allele origin: inherited. Inheritance: Autosomal recessive inheritance. Affected: yes. Observed: 3 variant alleles.

Women's Health and Genetics/Laboratory Corporation of America, LabCorp
Classification: Pathogenic for Familial hyperinsulinism. Last evaluated: 2018-11-02. Review status: criteria provided, single submitter. Criteria: LabCorp Variant Classification Summary - May 2015. Collection method: clinical testing. Allele origin: germline.
Comment: Variant summary: ABCC8 c.3641G>A (p.Arg1214Gln) results in a conservative amino acid change located in the ABC transporter type 1, transmembrane domain of the encoded protein sequence. Four of five in-silico tools predict a damaging effect of the variant on protein function. The variant allele was found at a frequency of 2e-05 in 246460 control chromosomes. c.3641G>A has been reported in the literature in multiple individuals affected with Neonatal Diabetes Mellitus, both as a homozygous and compound heterozygous allele. These data indicate that the variant is very likely to be associated with disease. At least one publication reports experimental evidence evaluating an impact on ATP-sensitive potassium channel activity, which showed the variant results in <30% of normal activity (Shyng_1998). No clinical diagnostic laboratories have submitted clinical-significance assessments for this variant to ClinVar after 2014. Based on the evidence outlined above, the variant was classified as pathogenic.

Juno Genomics, Hangzhou Juno Genomics, Inc
Classification: Pathogenic for Type 2 diabetes mellitus; Diabetes mellitus, permanent neonatal 3; Diabetes mellitus, transient neonatal, 2; Hyperinsulinemic hypoglycemia, familial, 1; Leucine-induced hypoglycemia. Review status: criteria provided, single submitter. Criteria: ACMG Guidelines, 2015. Collection method: clinical testing. Allele origin: germline.
Comment: Absent from controls (or at extremely low frequency if recessive) in Genome Aggregation Database.;Multiple lines of computational evidence support a deleterious effect on the gene or gene product.;Novel missense change at an amino acid residue where a different missense change determined to be pathogenic has been seen before.;Co-segregation with disease in multiple affected family members.;For recessive disorders, detected in trans with a pathogenic variant.

Literature cited by the submitters: PubMed 20685672 (cited by 3 submitters); PubMed 23275527 (cited by Natera, Inc. and Labcorp Genetics (formerly Invitae), Labcorp); PubMed 15562009 (cited by Labcorp Genetics (formerly Invitae), Labcorp); PubMed 9648840 (cited by Labcorp Genetics (formerly Invitae), Labcorp and Women's Health and Genetics/Laboratory Corporation of America, LabCorp); PubMed 17575084 (cited by Labcorp Genetics (formerly Invitae), Labcorp and Women's Health and Genetics/Laboratory Corporation of America, LabCorp); PubMed 24401662 (cited by Labcorp Genetics (formerly Invitae), Labcorp); PubMed 24937539 (cited by Labcorp Genetics (formerly Invitae), Labcorp); PubMed 26180531 (cited by Labcorp Genetics (formerly Invitae), Labcorp); PubMed 14692646 (cited by Women's Health and Genetics/Laboratory Corporation of America, LabCorp); PubMed 16416420 (cited by Women's Health and Genetics/Laboratory Corporation of America, LabCorp); PubMed 9618169 (cited by Women's Health and Genetics/Laboratory Corporation of America, LabCorp); PubMed 14715863 (cited by Women's Health and Genetics/Laboratory Corporation of America, LabCorp); PubMed 10685980 (cited by Women's Health and Genetics/Laboratory Corporation of America, LabCorp).